The following is an entry in ClinVar:

NM_207111.4(RNF216):c.603C>G (p.Ser201=)

Gene: RNF216 (ring finger protein 216; minus strand). Cytogenetic location: 7p22.1.
Variant type: single nucleotide variant.
Coding change: c.603C>G on transcript NM_207111.4 (MANE Select); coding-DNA position 603, C replaced by G.
Protein change: p.Ser201=; no amino-acid change (serine 201 retained).
Molecular consequence: synonymous variant.
Genome position (GRCh38, 1-based): chr7:5,741,414, G>C on the plus strand (C>G on the coding strand, the complement: RNF216 is on the minus strand). VCF-style: chr7-5741414-G-C. GRCh37 (hg19) VCF-style: chr7-5781045-G-C.
Other names: p.Ser201=; c.432C>G, p.Ser144= (NM_207116.3).
Identifiers: ClinVar variation 710629 (VCV000710629.44), dbSNP rs150011164, ClinGen allele CA4148501.
Genomic context (GRCh38, chr7:5,741,414, plus strand): 5'-ATCATCTGCTAGAGCAGCTGACTCTCCTAGATTTGATAACAGCTCTGTCTCTGAGTCTTC[G>C]GATGACTGGTTCTGAGTTTCCAAAGGATCGCTTTCTGTGTAAAGAAGGCTACCTTCTTCC-3'
Protein context (NP_996994.1, residues 191-211): SDPLETQNQS[Ser201=]EDSETELLSN

ClinVar aggregate classification (germline): Likely benign. Review status: criteria provided, multiple submitters, no conflicts (2 of 4 stars). 5 submissions from 5 submitters: Likely benign (5). Last evaluated 2025-07-16.

Allele frequency attached by ClinVar (database versions not stated): gnomAD 0.00013; TOPMed 0.00033; ESP Exome Variant Server 0.00054.
gnomAD v4.1: 259 of 1,614,094 alleles (0.016%); highest among the groups gnomAD compares: Middle Eastern, 0.049%; no homozygotes.

Submissions (5):

Mayo Clinic Laboratories, Mayo Clinic
Classification: Likely benign. Last evaluated: 2025-07-16. Review status: criteria provided, single submitter. Criteria: ACMG Guidelines, 2015. Collection method: clinical testing. Allele origin: germline. Observed: 1 variant allele.
Comment: BP4, BP7

Labcorp Genetics (formerly Invitae), Labcorp
Classification: Likely benign. Last evaluated: 2024-12-02. Review status: criteria provided, single submitter. Criteria: Invitae Variant Classification Sherloc (09022015). Collection method: clinical testing. Allele origin: germline.

Blueprint Genetics
Classification: Likely benign. Last evaluated: 2024-09-25. Review status: criteria provided, single submitter. Criteria: ACMG Guidelines, 2015. Collection method: clinical testing. Allele origin: germline.

CeGaT Center for Human Genetics Tuebingen
Classification: Likely benign. Last evaluated: 2023-02-01. Review status: criteria provided, single submitter. Criteria: CeGaT Center For Human Genetics Tuebingen Variant Classification Criteria Version 2. Collection method: clinical testing. Allele origin: germline. Affected: yes. Observed: 3 variant alleles.
Comment: RNF216: BP4, BP7

Breakthrough Genomics
Classification: Likely benign. Review status: criteria provided, single submitter. Criteria: ACMG Guidelines, 2015. Collection method: not provided. Allele origin: germline. Inheritance: Autosomal recessive inheritance. Affected: yes.